The following is an entry in ClinVar:

NM_032776.3(JMJD1C):c.2339A>G (p.His780Arg)

Gene: JMJD1C (jumonji domain containing 1C; minus strand). Cytogenetic location: 10q21.3.
Variant type: single nucleotide variant.
Coding change: c.2339A>G on transcript NM_032776.3 (MANE Select); coding-DNA position 2339, A replaced by G.
Protein change: p.His780Arg; replaces histidine 780 with arginine.
Molecular consequence: missense variant. On other transcripts: non-coding transcript variant (1).
Genome position (GRCh38, 1-based): chr10:63,213,828, T>C on the plus strand (A>G on the coding strand, the complement: JMJD1C is on the minus strand). VCF-style: chr10-63213828-T-C. GRCh37 (hg19) VCF-style: chr10-64973588-T-C.
Other names: c.1793A>G, p.His598Arg (NM_001282948.2, NM_001318154.2); c.1475A>G, p.His492Arg (NM_001318153.2); c.2225A>G, p.His742Arg (NM_001322252.2); c.1682A>G, p.His561Arg (NM_001322254.2, NM_001322258.2); c.2339A>G (NM_032776.1); short protein forms H492R, H561R, H742R, H598R, H780R.
Identifiers: ClinVar variation 2757230 (VCV002757230.4), dbSNP rs940649961, ClinGen allele CA208375403.
Genomic context (GRCh38, chr10:63,213,828, plus strand): 5'-AACACAGTGGGAAGTAAATGAGGGTGATGAACAGCATGGTGTGGACCACTAGTCAGAGGA[T>C]GAGTGTTAATGGTAGGTAATGGAGTTTGACTAGATGATCCGGCTAGTAAATGGGGTGCAG-3'
Protein context (NP_116165.1, residues 770-790): SQTPLPTINT[His780Arg]PLTSGPHHAV

ClinVar aggregate classification (germline): Uncertain significance. Review status: criteria provided, multiple submitters, no conflicts (2 of 4 stars). 2 submissions from 2 submitters: Uncertain significance (2). Last evaluated 2025-04-17.

Conditions:
Early Myoclonic Encephalopathy. Identifiers: MedGen C0270855.

Allele frequency attached by ClinVar (database versions not stated): gnomAD 0.00001; gnomAD exomes 0.00001; TOPMed 0.00001.
gnomAD v4.1: 15 of 1,613,748 alleles (0.00093%); highest among the groups gnomAD compares: Non-Finnish European, 0.0012%; no homozygotes.

Submissions (2):

Ambry Genetics
Classification: Uncertain significance. Last evaluated: 2025-04-17. Review status: criteria provided, single submitter. Criteria: Ambry Variant Classification Scheme 2023. Collection method: clinical testing. Allele origin: germline.

Labcorp Genetics (formerly Invitae), Labcorp
Classification: Uncertain significance for Early Myoclonic Encephalopathy. Last evaluated: 2023-07-20. Review status: criteria provided, single submitter. Criteria: Invitae Variant Classification Sherloc (09022015). Collection method: clinical testing. Allele origin: germline.
Comment: This variant is present in population databases (no rsID available, gnomAD 0.003%). This variant has not been reported in the literature in individuals affected with JMJD1C-related conditions. An algorithm developed to predict the effect of missense changes on protein structure and function (PolyPhen-2) suggests that this variant is likely to be disruptive. In summary, the available evidence is currently insufficient to determine the role of this variant in disease. Therefore, it has been classified as a Variant of Uncertain Significance. This sequence change replaces histidine, which is basic and polar, with arginine, which is basic and polar, at codon 780 of the JMJD1C protein (p.His780Arg).